The following is an entry in ClinVar:

ClinVar aggregate classification (germline): Conflicting classifications of pathogenicity. Review status: criteria provided, conflicting classifications (1 of 4 stars). 2 submissions from 2 submitters: Uncertain significance (1); Likely benign (1). Last evaluated 2023-03-23.

Conditions:
Hereditary breast ovarian cancer syndrome. Also called: Breast and ovarian cancer; BRCA1- and BRCA2-Associated Hereditary Breast and Ovarian Cancer; Hereditary breast and ovarian cancer; Hereditary breast and/or ovarian cancer syndrome; Hereditary breast and ovarian cancer syndrome; Hereditary breast and ovarian cancer syndrome (HBOC). Identifiers: Orphanet 145, MedGen C0677776, MeSH D061325, MONDO:0003582. Disease mechanism: loss of function.
Hereditary cancer-predisposing syndrome. Also called: Neoplastic Syndromes, Hereditary; Tumor predisposition; Hereditary Cancer Syndrome; Hereditary neoplastic syndrome. Identifiers: Orphanet 140162, MedGen C0027672, MeSH D009386, MONDO:0015356.

Submissions (2):

University of Washington Department of Laboratory Medicine, University of Washington
Classification: Likely benign for Hereditary cancer-predisposing syndrome. Last evaluated: 2023-03-23. Review status: criteria provided, single submitter. Criteria: Dines et al. (Genet Med. 2020). Collection method: curation. Allele origin: germline.
Comment: Missense variant in a coldspot region where missense variants are very unlikely to be pathogenic (PMID:31911673).

BRCA2 exon 10 coldspot. Reclassification based on statistical prior probability.

Labcorp Genetics (formerly Invitae), Labcorp
Classification: Uncertain significance for Hereditary breast ovarian cancer syndrome. Last evaluated: 2018-08-05. Review status: criteria provided, single submitter. Criteria: Invitae Variant Classification Sherloc (09022015). Collection method: clinical testing. Allele origin: germline.
Comment: Algorithms developed to predict the effect of missense changes on protein structure and function output the following: SIFT: "Tolerated"; PolyPhen-2: "Possibly Damaging"; Align-GVGD: "Class C0". The aspartic acid amino acid residue is found in multiple mammalian species, suggesting that this missense change does not adversely affect protein function. These predictions have not been confirmed by published functional studies and their clinical significance is uncertain. In summary, the available evidence is currently insufficient to determine the role of this variant in disease. Therefore, it has been classified as a Variant of Uncertain Significance. This variant has not been reported in the literature in individuals with BRCA2-related disease. This variant is not present in population databases (ExAC no frequency). This sequence change replaces glutamic acid with aspartic acid at codon 462 of the BRCA2 protein (p.Glu462Asp). The glutamic acid residue is moderately conserved and there is a small physicochemical difference between glutamic acid and aspartic acid.

NM_000059.4(BRCA2):c.1386A>C (p.Glu462Asp)

Gene: BRCA2 (BRCA2 DNA repair associated; plus strand). Cytogenetic location: 13q13.1.
Variant type: single nucleotide variant.
Coding change: c.1386A>C on transcript NM_000059.4 (MANE Select); coding-DNA position 1386, A replaced by C.
Protein change: p.Glu462Asp; replaces glutamic acid 462 with aspartic acid.
Molecular consequence: missense variant.
Genome position (GRCh38, 1-based): chr13:32,332,864, A>C. VCF-style: chr13-32332864-A-C. GRCh37 (hg19) VCF-style: chr13-32907001-A-C.
Other names: short protein forms E462D.
Identifiers: ClinVar variation 651551 (VCV000651551.10), dbSNP rs1593892709, ClinGen allele CA387763041.